The following is an entry in ClinVar:

ClinVar aggregate classification (germline): Uncertain significance (1 of 4 stars; one submission).

gnomAD v4.1: 45 of 1,611,154 alleles (0.0028%); highest among the groups gnomAD compares: East Asian, 0.018%; no homozygotes.

Submission:

Labcorp Genetics (formerly Invitae), Labcorp
Classification: Uncertain significance. Last evaluated: 2026-01-27. Review status: criteria provided, single submitter. Criteria: Invitae Variant Classification Sherloc (09022015). Collection method: clinical testing. Allele origin: germline.
Comment: This sequence change replaces valine, which is neutral and non-polar, with isoleucine, which is neutral and non-polar, at codon 246 of the NFATC1 protein (p.Val246Ile). This variant is present in population databases (rs773206226, gnomAD 0.007%). This variant has not been reported in the literature in individuals affected with NFATC1-related conditions. An algorithm developed to predict the effect of missense changes on protein structure and function outputs the following: PolyPhen-2: "Benign". The isoleucine amino acid residue is found in multiple mammalian species, which suggests that this missense change does not adversely affect protein function. In summary, the available evidence is currently insufficient to determine the role of this variant in disease. Therefore, it has been classified as a Variant of Uncertain Significance.

NM_001278669.2(NFATC1):c.736G>A (p.Val246Ile)

Gene: NFATC1 (nuclear factor of activated T cells 1; plus strand). Cytogenetic location: 18q23.
Variant type: single nucleotide variant.
Coding change: c.736G>A on transcript NM_001278669.2 (MANE Select); coding-DNA position 736, G replaced by A.
Protein change: p.Val246Ile; replaces valine 246 with isoleucine.
Molecular consequence: missense variant. On other transcripts: intron variant (2).
Genome position (GRCh38, 1-based): chr18:79,411,011, G>A. VCF-style: chr18-79411011-G-A. GRCh37 (hg19) VCF-style: chr18-77171011-G-A.
Other names: c.736G>A, p.Val246Ile (NM_001278670.2, NM_006162.5, NM_172390.3); c.697G>A, p.Val233Ile (NM_001278672.2, NM_001278675.2, NM_172387.3 and 1 more transcripts); c.-191+14660G>A (NM_172388.3); c.-191+10532G>A (NM_001278673.2); short protein forms V233I, V246I.
Identifiers: ClinVar variation 4693027 (VCV004693027.1).